The following is an entry in ClinVar:

NM_020778.5(ALPK3):c.5002C>T (p.Arg1668Trp)

Gene: ALPK3 (alpha kinase 3; plus strand). Cytogenetic location: 15q25.3.
Variant type: single nucleotide variant.
Coding change: c.5002C>T on transcript NM_020778.5 (MANE Select); coding-DNA position 5002, C replaced by T.
Protein change: p.Arg1668Trp; replaces arginine 1668 with tryptophan.
Molecular consequence: missense variant.
Genome position (GRCh38, 1-based): chr15:84,868,340, C>T. VCF-style: chr15-84868340-C-T. GRCh37 (hg19) VCF-style: chr15-85411571-C-T.
Other names: c.5608C>T (NM_020778.4); short protein forms R1668W.
Identifiers: ClinVar variation 1382829 (VCV001382829.11), dbSNP rs148009523, ClinGen allele CA7710136.
Genomic context (GRCh38, chr15:84,868,340, plus strand): 5'-AAAGGCTCCCAGCTGAGTCCTCAGCCCCAGAAGAAAGGCCTCCCTAGTCCTCAGGGCACC[C>T]GGAAGAGTGCTCCAAGTTCCAAGGCCACCCCTCAGGCCTCAGAGCCAGTCACCACTCAGT-3'
Protein context (NP_065829.4, residues 1658-1678): KKGLPSPQGT[Arg1668Trp]KSAPSSKATP

ClinVar aggregate classification (germline): Uncertain significance. Review status: criteria provided, multiple submitters, no conflicts (2 of 4 stars). 4 submissions from 4 submitters: Uncertain significance (4). Last evaluated 2026-01-11.

Conditions:
ALPK3-related disorder. Also called: ALPK3-related condition.
Cardiovascular phenotype. Identifiers: MedGen CN230736.

Allele frequency attached by ClinVar (database versions not stated): gnomAD exomes 0.00001 and 0.00003; ExAC 0.00004; gnomAD 0.00007; TOPMed 0.00011; 1000 Genomes Project 30x 0.00016; 1000 Genomes Project 0.00020; ESP Exome Variant Server 0.00023.
gnomAD v4.1: 22 of 1,614,120 alleles (0.0014%); highest among the groups gnomAD compares: African/African-American, 0.021%; no homozygotes.

Submissions (4):

Labcorp Genetics (formerly Invitae), Labcorp
Classification: Uncertain significance. Last evaluated: 2026-01-11. Review status: criteria provided, single submitter. Criteria: Invitae Variant Classification Sherloc (09022015). Collection method: clinical testing. Allele origin: germline.
Comment: This sequence change replaces arginine, which is basic and polar, with tryptophan, which is neutral and slightly polar, at codon 1870 of the ALPK3 protein (p.Arg1870Trp). This variant is present in population databases (rs148009523, gnomAD 0.03%). This variant has not been reported in the literature in individuals affected with ALPK3-related conditions. ClinVar contains an entry for this variant (Variation ID: 1382829). Invitae Evidence Modeling of protein sequence and biophysical properties (such as structural, functional, and spatial information, amino acid conservation, physicochemical variation, residue mobility, and thermodynamic stability) indicates that this missense variant is expected to disrupt ALPK3 protein function with a positive predictive value of 80%. In summary, the available evidence is currently insufficient to determine the role of this variant in disease. Therefore, it has been classified as a Variant of Uncertain Significance.

PreventionGenetics, part of Exact Sciences
Classification: Uncertain significance for ALPK3-related condition. Last evaluated: 2025-12-22. Review status: criteria provided, single submitter. Criteria: ACMG Guidelines, 2015. Collection method: clinical testing. Allele origin: germline.
Comment: The ALPK3 c.5608C>T variant is predicted to result in the amino acid substitution p.Arg1870Trp. To our knowledge, this variant has not been reported in the literature. This variant is reported in 0.040% of alleles in individuals of African descent in gnomAD. At this time, the clinical significance of this variant is uncertain due to the absence of conclusive functional and genetic evidence.

Ambry Genetics
Classification: Uncertain significance for Cardiovascular phenotype. Last evaluated: 2025-08-13. Review status: criteria provided, single submitter. Criteria: Ambry Variant Classification Scheme 2023. Collection method: clinical testing. Allele origin: germline.
Comment: The p.R1870W variant (also known as c.5608C>T), located in coding exon 14 of the ALPK3 gene, results from a C to T substitution at nucleotide position 5608. The arginine at codon 1870 is replaced by tryptophan, an amino acid with dissimilar properties. This amino acid position is highly conserved in available vertebrate species. In addition, the in silico prediction for this alteration is inconclusive. Based on the available evidence, the clinical significance of this variant remains unclear.

GeneDx
Classification: Uncertain significance. Last evaluated: 2023-12-01. Review status: criteria provided, single submitter. Criteria: GeneDx Variant Classification Process June 2021. Collection method: clinical testing. Allele origin: germline. Affected: yes.
Comment: Has not been previously published as pathogenic or benign to our knowledge; In silico analysis supports that this missense variant has a deleterious effect on protein structure/function